The following is an entry in ClinVar:

NM_001042492.3(NF1):c.291A>G (p.Gln97=)

Gene: NF1 (neurofibromin 1; plus strand). Cytogenetic location: 17q11.2.
Variant type: single nucleotide variant.
Coding change: c.291A>G on transcript NM_001042492.3 (MANE Select); coding-DNA position 291, A replaced by G.
Protein change: p.Gln97=; no amino-acid change (glutamine 97 retained).
Molecular consequence: synonymous variant.
Genome position (GRCh38, 1-based): chr17:31,163,188, A>G. VCF-style: chr17-31163188-A-G. GRCh37 (hg19) VCF-style: chr17-29490206-A-G.
Other names: c.291A>G, p.Gln97= (NM_000267.4, NM_001128147.3).
Identifiers: ClinVar variation 484055 (VCV000484055.12), dbSNP rs1555606044, ClinGen allele CA499200000.

ClinVar aggregate classification (germline): Conflicting classifications of pathogenicity. Review status: criteria provided, conflicting classifications (1 of 4 stars). 3 submissions from 3 submitters: Uncertain significance (1); Likely benign (2). Last evaluated 2023-11-27.

Conditions:
Cardiovascular phenotype. Identifiers: MedGen CN230736.
Hereditary cancer-predisposing syndrome. Also called: Hereditary neoplastic syndrome; Neoplastic Syndromes, Hereditary; Tumor predisposition; Hereditary Cancer Syndrome. Identifiers: Orphanet 140162, MedGen C0027672, MeSH D009386, MONDO:0015356.
Neurofibromatosis, type 1 (NF1). Also called: VON RECKLINGHAUSEN DISEASE; Peripheral type neurofibromatosis; NEUROFIBROMATOSIS, TYPE I, SOMATIC; Neurofibromatosis, type I. Identifiers: Orphanet 636, MedGen C0027831, MONDO:0018975, OMIM 162200. Disease mechanism: loss of function.

Allele frequency attached by ClinVar (database versions not stated): gnomAD exomes below 0.00001.
gnomAD v4.1: 4 of 1,614,094 alleles (0.00025%); highest among the groups gnomAD compares: Non-Finnish European, 0.00025%; no homozygotes.

Submissions (3):

Labcorp Genetics (formerly Invitae), Labcorp
Classification: Likely benign for Neurofibromatosis, type 1. Last evaluated: 2023-11-27. Review status: criteria provided, single submitter. Criteria: Invitae Variant Classification Sherloc (09022015). Collection method: clinical testing. Allele origin: germline.

GeneDx
Classification: Uncertain significance. Last evaluated: 2022-03-21. Review status: criteria provided, single submitter. Criteria: GeneDx Variant Classification Process June 2021. Collection method: clinical testing. Allele origin: germline. Affected: yes.
Comment: Not observed at significant frequency in large population cohorts (gnomAD); In silico analysis supports a deleterious effect on splicing; Has not been previously published as pathogenic or benign to our knowledge

Ambry Genetics
Classification: Likely benign for Cardiovascular phenotype; Hereditary cancer-predisposing syndrome. Last evaluated: 2016-08-19. Review status: criteria provided, single submitter. Criteria: Ambry Variant Classification Scheme 2023. Collection method: clinical testing. Allele origin: germline.